The following is an entry in ClinVar:

NM_001080449.3(DNA2):c.3032T>G (p.Leu1011Arg)

Gene: DNA2 (DNA replication helicase/nuclease 2; minus strand). Cytogenetic location: 10q21.3.
Variant type: single nucleotide variant.
Coding change: c.3032T>G on transcript NM_001080449.3 (MANE Select); coding-DNA position 3032, T replaced by G.
Protein change: p.Leu1011Arg; replaces leucine 1011 with arginine.
Molecular consequence: missense variant. On other transcripts: non-coding transcript variant (1).
Genome position (GRCh38, 1-based): chr10:68,416,791, A>C on the plus strand (T>G on the coding strand, the complement: DNA2 is on the minus strand). VCF-style: chr10-68416791-A-C. GRCh37 (hg19) VCF-style: chr10-70176548-A-C.
Other names: short protein forms L1011R.
Identifiers: ClinVar variation 2783163 (VCV002783163.3), dbSNP rs368953963, ClinGen allele CA5524679.

ClinVar aggregate classification (germline): Uncertain significance (1 of 4 stars; one submission).

Allele frequency attached by ClinVar (database versions not stated): ExAC 0.00001; gnomAD 0.00003; ESP Exome Variant Server 0.00008.
gnomAD v4.1: 8 of 1,613,826 alleles (0.0005%); highest among the groups gnomAD compares: African/African-American, 0.011%; no homozygotes.

Submission:

Labcorp Genetics (formerly Invitae), Labcorp
Classification: Uncertain significance. Last evaluated: 2025-10-19. Review status: criteria provided, single submitter. Criteria: Invitae Variant Classification Sherloc (09022015). Collection method: clinical testing. Allele origin: germline.
Comment: This sequence change replaces leucine, which is neutral and non-polar, with arginine, which is basic and polar, at codon 1011 of the DNA2 protein (p.Leu1011Arg). This variant is present in population databases (rs368953963, gnomAD 0.01%). This variant has not been reported in the literature in individuals affected with DNA2-related conditions. ClinVar contains an entry for this variant (Variation ID: 2783163). Invitae Evidence Modeling of protein sequence and biophysical properties (such as structural, functional, and spatial information, amino acid conservation, physicochemical variation, residue mobility, and thermodynamic stability) indicates that this missense variant is expected to disrupt DNA2 protein function with a positive predictive value of 80%. In summary, the available evidence is currently insufficient to determine the role of this variant in disease. Therefore, it has been classified as a Variant of Uncertain Significance.